The following is an entry in ClinVar:

ClinVar aggregate classification (germline): Uncertain significance (0 of 4 stars; one submission).

Allele frequency attached by ClinVar (database versions not stated): gnomAD 0.00001; gnomAD exomes below 0.00001; TOPMed 0.00002.
gnomAD v4.1: 4 of 1,613,840 alleles (0.00025%); highest among the groups gnomAD compares: Non-Finnish European, 0.00025%; no homozygotes.

Submission:

Department of Pathology and Laboratory Medicine, Sinai Health System
Classification: Uncertain significance. Review status: no assertion criteria provided. Collection method: clinical testing. Allele origin: unknown. Affected: yes. Study: The Canadian Open Genetics Repository (COGR).
Comment: The IFITM3 p.Thr94Ser variant was not identified in the literature nor was it identified in ClinVar, Cosmic or LOVD 3.0. The variant was identified in dbSNP (ID: rs1299900233) but was not identified in the following control databases: the 1000 Genomes Project, the NHLBI GO Exome Sequencing Project, the Exome Aggregation Consortium (August 8th 2016), or the Genome Aggregation Database (Feb 27, 2017). The p.Thr94 residue is not conserved in mammals and four out of five computational analyses (SIFT, AlignGVGD, BLOSUM, MutationTaster) do not suggest a high likelihood of impact to the protein; however, this information is not predictive enough to rule out pathogenicity. The variant occurs outside of the splicing consensus sequence and 2 of 4 in silico or computational prediction software programs (SpliceSiteFinder, MaxEntScan) predict a greater than 10% difference in splicing and the creation of a new 3' splice site; this is not very predictive of pathogenicity. In summary, based on the above information the clinical significance of this variant cannot be determined with certainty at this time. This variant is classified as a variant of uncertain significance.

NM_021034.3(IFITM3):c.280A>T (p.Thr94Ser)

Gene: IFITM3 (interferon induced transmembrane protein 3; minus strand). Cytogenetic location: 11p15.5.
Variant type: single nucleotide variant.
Coding change: c.280A>T on transcript NM_021034.3 (MANE Select); coding-DNA position 280, A replaced by T.
Protein change: p.Thr94Ser; replaces threonine 94 with serine.
Molecular consequence: missense variant. On other transcripts: non-coding transcript variant (1).
Genome position (GRCh38, 1-based): chr11:319,960, T>A on the plus strand (A>T on the coding strand, the complement: IFITM3 is on the minus strand). VCF-style: chr11-319960-T-A. GRCh37 (hg19) VCF-style: chr11-319960-T-A.
Other names: short protein forms T94S.
Identifiers: ClinVar variation 1050274 (VCV001050274.1), dbSNP rs1299900233, ClinGen allele CA378894376.